The following is an entry in ClinVar:

ClinVar aggregate classification (germline): Conflicting classifications of pathogenicity. Review status: criteria provided, conflicting classifications (1 of 4 stars). 6 submissions from 6 submitters: Uncertain significance (1); Likely benign (5). Last evaluated 2026-01-24.

Conditions:
Connective tissue disorder. Also called: Connective tissue disease. Identifiers: MedGen C0009782, MONDO:0003900.
FLNB-Related Spectrum Disorders.
Atelosteogenesis type I. Also called: GIANT CELL CHONDRODYSPLASIA; SPONDYLOHUMEROFEMORAL HYPOPLASIA; Atelosteogenesis Type 1 (FLNB-AO1). Identifiers: Orphanet 1190, MedGen C0265283, MONDO:0007167, OMIM 108720.
Boomerang dysplasia. Identifiers: Orphanet 1263, MedGen C0432201, MONDO:0007208, OMIM 112310.
Atelosteogenesis type III. Also called: Atelosteogenesis Type 3 (FLNB-AO3). Identifiers: Orphanet 56305, MedGen C3668942, MONDO:0007168, OMIM 108721.
Spondylocarpotarsal synostosis syndrome (SCT). Also called: Synspondylism congenital; Scoliosis, congenital with unilateral unsegmented bar; SPONDYLOCARPOTARSAL SYNDROME; VERTEBRAL FUSION WITH CARPAL COALITION; Spondylocarpotarsal Synostosis Syndrome (FLNB-SCT). Identifiers: Orphanet 3275, MedGen C1848934, MONDO:0010094, OMIM 272460.
Larsen syndrome (LRS). Also called: Larsen syndrome (FLNB-LS); Bilateral dislocation of the knees, pes cavus, cylindrically shaped fingers and characteristic facies. Identifiers: Orphanet 503, MedGen C0175778, MONDO:0007875, OMIM 150250. Disease mechanism: loss of function.

Allele frequency attached by ClinVar (database versions not stated): gnomAD 0.00021 and 0.00032; gnomAD exomes 0.00025 and 0.00065; TOPMed 0.00044; ExAC 0.00076; 1000 Genomes Project 30x 0.00109; 1000 Genomes Project 0.00120.
gnomAD v4.1: 403 of 1,608,290 alleles (0.025%); highest among the groups gnomAD compares: East Asian, 0.69%; 4 homozygotes.

Submissions (6):

Labcorp Genetics (formerly Invitae), Labcorp
Classification: Likely benign. Last evaluated: 2026-01-24. Review status: criteria provided, single submitter. Criteria: Invitae Variant Classification Sherloc (09022015). Collection method: clinical testing. Allele origin: germline.

Blueprint Genetics
Classification: Likely benign. Last evaluated: 2024-07-26. Review status: criteria provided, single submitter. Criteria: ACMG Guidelines, 2015. Collection method: clinical testing. Allele origin: germline.

Fulgent Genetics
Classification: Likely benign for Atelosteogenesis type I; Atelosteogenesis type III; Boomerang dysplasia; Larsen syndrome; Spondylocarpotarsal synostosis syndrome. Last evaluated: 2022-02-28. Review status: criteria provided, single submitter. Criteria: ACMG Guidelines, 2015. Collection method: clinical testing. Allele origin: unknown.

GeneDx
Classification: Likely benign. Last evaluated: 2020-09-02. Review status: criteria provided, single submitter. Criteria: GeneDx Variant Classification Process June 2021. Collection method: clinical testing. Allele origin: germline. Affected: yes.
Comment: This variant is associated with the following publications: (PMID: 32381728)

Genome Diagnostics Laboratory, The Hospital for Sick Children
Classification: Uncertain significance for Connective tissue disorder. Last evaluated: 2020-01-09. Review status: criteria provided, single submitter. Criteria: ACMG Guidelines, 2015. Collection method: clinical testing. Allele origin: germline.

Illumina Laboratory Services, Illumina
Classification: Likely benign for FLNB-Related Spectrum Disorders. Last evaluated: 2018-01-13. Review status: criteria provided, single submitter. Criteria: ICSL Variant Classification Criteria 13 December 2019. Collection method: clinical testing. Allele origin: germline.
Comment: This variant was observed in the ICSL laboratory as part of a predisposition screen in an ostensibly healthy population. It had not been previously curated by ICSL or reported in the Human Gene Mutation Database (HGMD: prior to June 1st, 2018), and was therefore a candidate for classification through an automated scoring system. Utilizing variant allele frequency, disease prevalence and penetrance estimates, and inheritance mode, an automated score was calculated to assess if this variant is too frequent to cause the disease. Based on the score and internal cut-off values, a variant classified as likely benign is not then subjected to further curation. The score for this variant resulted in a classification of likely benign for this disease.

NM_001457.4(FLNB):c.3583G>A (p.Val1195Met)

Gene: FLNB (filamin B; plus strand). Cytogenetic location: 3p14.3.
Variant type: single nucleotide variant.
Coding change: c.3583G>A on transcript NM_001457.4 (MANE Select); coding-DNA position 3583, G replaced by A.
Protein change: p.Val1195Met; replaces valine 1195 with methionine.
Molecular consequence: missense variant.
Genome position (GRCh38, 1-based): chr3:58,123,549, G>A. VCF-style: chr3-58123549-G-A. GRCh37 (hg19) VCF-style: chr3-58109276-G-A.
Other names: c.3583G>A, p.Val1195Met (NM_001164317.2, NM_001164318.2, NM_001164319.2); short protein forms V1195M.
Identifiers: ClinVar variation 346334 (VCV000346334.21), dbSNP rs200993986, ClinGen allele CA2468451.